The following is an entry in ClinVar:

NM_152564.5(VPS13B):c.8429A>C (p.Gln2810Pro)

Gene: VPS13B (vacuolar protein sorting 13 homolog B; plus strand). Cytogenetic location: 8q22.2.
Variant type: single nucleotide variant.
Coding change: c.8429A>C on transcript NM_152564.5 (MANE Select); coding-DNA position 8429, A replaced by C.
Protein change: p.Gln2810Pro; replaces glutamine 2810 with proline.
Molecular consequence: missense variant.
Genome position (GRCh38, 1-based): chr8:99,818,518, A>C. VCF-style: chr8-99818518-A-C. GRCh37 (hg19) VCF-style: chr8-100830746-A-C.
Other names: c.8504A>C (NM_017890.3); c.8504A>C, p.Gln2835Pro (NM_017890.5); c.8429A>C (NM_152564.4); short protein forms Q2810P, Q2835P.
Identifiers: ClinVar variation 376828 (VCV000376828.12), dbSNP rs769551176, ClinGen allele CA4824448.

ClinVar aggregate classification (germline): Conflicting classifications of pathogenicity. Review status: criteria provided, conflicting classifications (1 of 4 stars). 7 submissions from 7 submitters: Uncertain significance (5); Likely benign (1). 1 of the submissions does not count toward it. Last evaluated 2026-05-01.

Conditions:
VPS13B-related disorder. Also called: VPS13B-related condition.
Inborn genetic diseases. Identifiers: MedGen C0950123, MeSH D030342.
Cohen syndrome (COH1). Also called: Cutis verticis gyrata, retinitis pigmentosa, and sensorineural deafness; PEPPER SYNDROME. Identifiers: Orphanet 193, MedGen C0265223, MONDO:0008999, OMIM 216550.

Allele frequency attached by ClinVar (database versions not stated): gnomAD 0.00001; gnomAD exomes 0.00003 and 0.00006; ExAC 0.00005; TOPMed 0.00006.
gnomAD v4.1: 38 of 1,613,838 alleles (0.0024%); highest among the groups gnomAD compares: Admixed American, 0.038%; no homozygotes.

Submissions (7):

CeGaT Center for Human Genetics Tuebingen
Classification: Uncertain significance. Last evaluated: 2026-05-01. Review status: criteria provided, single submitter. Criteria: CeGaT Center For Human Genetics Tuebingen Variant Classification Criteria Version 2. Collection method: clinical testing. Allele origin: germline. Affected: yes. Observed: 1 variant allele.
Comment: VPS13B: PM2, BP4

GeneDx
Classification: Uncertain significance. Last evaluated: 2025-02-10. Review status: criteria provided, single submitter. Criteria: GeneDx Variant Classification Process June 2021. Collection method: clinical testing. Allele origin: germline. Affected: yes.
Comment: In silico analysis indicates that this missense variant does not alter protein structure/function; Has not been previously published as pathogenic or benign to our knowledge

Labcorp Genetics (formerly Invitae), Labcorp
Classification: Uncertain significance for Cohen syndrome. Last evaluated: 2022-10-13. Review status: criteria provided, single submitter. Criteria: Invitae Variant Classification Sherloc (09022015). Collection method: clinical testing. Allele origin: germline.
Comment: This sequence change replaces glutamine, which is neutral and polar, with proline, which is neutral and non-polar, at codon 2835 of the VPS13B protein (p.Gln2835Pro). This variant is present in population databases (rs769551176, gnomAD 0.04%). This variant has not been reported in the literature in individuals affected with VPS13B-related conditions. ClinVar contains an entry for this variant (Variation ID: 376828). Advanced modeling of protein sequence and biophysical properties (such as structural, functional, and spatial information, amino acid conservation, physicochemical variation, residue mobility, and thermodynamic stability) performed at Invitae indicates that this missense variant is not expected to disrupt VPS13B protein function. In summary, the available evidence is currently insufficient to determine the role of this variant in disease. Therefore, it has been classified as a Variant of Uncertain Significance.

Ambry Genetics
Classification: Uncertain significance for Inborn genetic diseases. Last evaluated: 2021-07-08. Review status: criteria provided, single submitter. Criteria: Ambry Variant Classification Scheme 2023. Collection method: clinical testing. Allele origin: germline.

Blueprint Genetics
Classification: Uncertain significance. Last evaluated: 2019-02-25. Review status: criteria provided, single submitter. Criteria: ACMG Guidelines, 2015. Collection method: clinical testing. Allele origin: germline.

Center for Pediatric Genomic Medicine, Children's Mercy Hospital and Clinics
Classification: Likely benign. Last evaluated: 2016-08-03. Review status: criteria provided, single submitter. Criteria: ACMG Guidelines, 2015. Collection method: clinical testing. Allele origin: germline.
ClinVar note: Converted during submission from Likely Benign to Likely benign.

PreventionGenetics, part of Exact Sciences
Classification: Uncertain significance for VPS13B-related condition. Last evaluated: 2024-09-24. Review status: no assertion criteria provided. Collection method: clinical testing. Allele origin: germline. Not counted in ClinVar's aggregate classification.
Comment: The VPS13B c.8429A>C variant is predicted to result in the amino acid substitution p.Gln2810Pro. To our knowledge, this variant has not been reported in the literature. This variant is reported in 0.035% of alleles in individuals of Latino descent in gnomAD. At this time, the clinical significance of this variant is uncertain due to the absence of conclusive functional and genetic evidence.